The following is an entry in ClinVar:

ClinVar aggregate classification (germline): Uncertain significance (1 of 4 stars; one submission).

gnomAD v4.1: 2 of 1,608,392 alleles (0.00012%); highest among the groups gnomAD compares: Non-Finnish European, 0.00017%; no homozygotes.

Submission:

Labcorp Genetics (formerly Invitae), Labcorp
Classification: Uncertain significance. Last evaluated: 2024-10-03. Review status: criteria provided, single submitter. Criteria: Invitae Variant Classification Sherloc (09022015). Collection method: clinical testing. Allele origin: germline.
Comment: This sequence change replaces leucine, which is neutral and non-polar, with valine, which is neutral and non-polar, at codon 532 of the CLCN7 protein (p.Leu532Val). This variant is not present in population databases (gnomAD no frequency). This variant has not been reported in the literature in individuals affected with CLCN7-related conditions. Invitae Evidence Modeling of protein sequence and biophysical properties (such as structural, functional, and spatial information, amino acid conservation, physicochemical variation, residue mobility, and thermodynamic stability) indicates that this missense variant is not expected to disrupt CLCN7 protein function with a negative predictive value of 95%. In summary, the available evidence is currently insufficient to determine the role of this variant in disease. Therefore, it has been classified as a Variant of Uncertain Significance.

NM_001287.6(CLCN7):c.1594C>G (p.Leu532Val)

Gene: CLCN7 (chloride voltage-gated channel 7; minus strand). Cytogenetic location: 16p13.3.
Variant type: single nucleotide variant.
Coding change: c.1594C>G on transcript NM_001287.6 (MANE Select); coding-DNA position 1594, C replaced by G.
Protein change: p.Leu532Val; replaces leucine 532 with valine.
Molecular consequence: missense variant.
Genome position (GRCh38, 1-based): chr16:1,450,520, G>C on the plus strand (C>G on the coding strand, the complement: CLCN7 is on the minus strand). VCF-style: chr16-1450520-G-C. GRCh37 (hg19) VCF-style: chr16-1500521-G-C.
Other names: c.1522C>G, p.Leu508Val (NM_001114331.3); short protein forms L508V, L532V.
Identifiers: ClinVar variation 3685831 (VCV003685831.2).